The following is an entry in ClinVar:

NM_000465.4(BARD1):c.628A>G (p.Thr210Ala)

Gene: BARD1 (BRCA1 associated RING domain 1; minus strand). Cytogenetic location: 2q35.
Variant type: single nucleotide variant.
Coding change: c.628A>G on transcript NM_000465.4 (MANE Select); coding-DNA position 628, A replaced by G.
Protein change: p.Thr210Ala; replaces threonine 210 with alanine.
Molecular consequence: missense variant. On other transcripts: non-coding transcript variant (2), intron variant (3).
Genome position (GRCh38, 1-based): chr2:214,781,246, T>C on the plus strand (A>G on the coding strand, the complement: BARD1 is on the minus strand). VCF-style: chr2-214781246-T-C. GRCh37 (hg19) VCF-style: chr2-215645970-T-C.
Other names: c.571A>G, p.Thr191Ala (NM_001282543.2); c.158+28166A>G (NM_001282548.2); c.215+15815A>G (NM_001282545.2); c.364+11051A>G (NM_001282549.2); short protein forms T191A, T210A.
Identifiers: ClinVar variation 950718 (VCV000950718.10), dbSNP rs1415703291, ClinGen allele CA350456647.

ClinVar aggregate classification (germline): Uncertain significance (1 of 4 stars; one submission).

Conditions:
Familial cancer of breast. Also called: BREAST CANCER, FAMILIAL; Hereditary breast cancer; hereditary breast carcinoma. Identifiers: Orphanet 227535, MedGen C0346153, MONDO:0016419, OMIM 114480. Disease mechanism: loss of function.

Allele frequency attached by ClinVar (database versions not stated): TOPMed below 0.00001; gnomAD 0.00001.
gnomAD v4.1: 1 of 1,595,032 alleles (0.000063%); highest among the groups gnomAD compares: Non-Finnish European, 0.000085%; no homozygotes.

Submission:

Labcorp Genetics (formerly Invitae), Labcorp
Classification: Uncertain significance for Familial cancer of breast. Last evaluated: 2019-07-05. Review status: criteria provided, single submitter. Criteria: Invitae Variant Classification Sherloc (09022015). Collection method: clinical testing. Allele origin: germline.
Comment: This variant has not been reported in the literature in individuals with BARD1-related conditions. In summary, the available evidence is currently insufficient to determine the role of this variant in disease. Therefore, it has been classified as a Variant of Uncertain Significance. This sequence change replaces threonine with alanine at codon 210 of the BARD1 protein (p.Thr210Ala). The threonine residue is moderately conserved and there is a small physicochemical difference between threonine and alanine. Algorithms developed to predict the effect of missense changes on protein structure and function (SIFT, PolyPhen-2, Align-GVGD) all suggest that this variant is likely to be tolerated, but these predictions have not been confirmed by published functional studies and their clinical significance is uncertain. This variant is not present in population databases (ExAC no frequency).